The following is an entry in ClinVar:

ClinVar aggregate classification (germline): Pathogenic (1 of 4 stars; one submission).

Submission:

Labcorp Genetics (formerly Invitae), Labcorp
Classification: Pathogenic. Last evaluated: 2025-09-08. Review status: criteria provided, single submitter. Criteria: Invitae Variant Classification Sherloc (09022015). Collection method: clinical testing. Allele origin: germline.
Comment: This sequence change creates a premature translational stop signal (p.Gln521*) in the CENPJ gene. It is expected to result in an absent or disrupted protein product. Loss-of-function variants in CENPJ are known to be pathogenic (PMID: 15793586, 16900296, 20522431). This variant is not present in population databases (gnomAD no frequency). This variant has not been reported in the literature in individuals affected with CENPJ-related conditions. ClinVar contains an entry for this variant (Variation ID: 2096159). For these reasons, this variant has been classified as Pathogenic.

Literature cited by the submitters: PubMed 15793586; PubMed 16900296; PubMed 20522431.

NM_018451.5(CPAP):c.1561C>T (p.Gln521Ter)

Gene: CPAP (centrosome assembly and centriole elongation protein; minus strand). Cytogenetic location: 13q12.13.
Variant type: single nucleotide variant.
Coding change: c.1561C>T on transcript NM_018451.5 (MANE Select); coding-DNA position 1561, C replaced by T.
Protein change: p.Gln521Ter; replaces glutamine 521 with a stop codon.
Molecular consequence: nonsense. On other transcripts: non-coding transcript variant (2).
Genome position (GRCh38, 1-based): chr13:24,906,477, G>A on the plus strand (C>T on the coding strand, the complement: CPAP is on the minus strand). VCF-style: chr13-24906477-G-A. GRCh37 (hg19) VCF-style: chr13-25480615-G-A.
Other names: short protein forms Q521*.
Identifiers: ClinVar variation 2096159 (VCV002096159.4), dbSNP rs2541694352, ClinGen allele CA387587814.
Genomic context (GRCh38, chr13:24,906,477, plus strand): 5'-GGCTCTTAGCAGCCAGCCGGCTGGCCGGCCCTGTTGAAAGAGGAAGTCTGTCTTTACCTT[G>A]TGTCTTATTCCACCCTGTGCAGCCAGTATCGCAAGGTTTTGGACACTCAGTTACATTTTC-3'